The following is an entry in ClinVar:

NM_000548.5(TSC2):c.2914G>T (p.Ala972Ser)

Gene: TSC2 (TSC complex subunit 2; plus strand). Cytogenetic location: 16p13.3.
Variant type: single nucleotide variant.
Coding change: c.2914G>T on transcript NM_000548.5 (MANE Select); coding-DNA position 2914, G replaced by T.
Protein change: p.Ala972Ser; replaces alanine 972 with serine.
Molecular consequence: missense variant. On other transcripts: intron variant (31).
Genome position (GRCh38, 1-based): chr16:2,077,674, G>T. VCF-style: chr16-2077674-G-T. GRCh37 (hg19) VCF-style: chr16-2127675-G-T.
Other names: c.2237+1089G>T (NM_001318831.2, NM_001406688.1, NM_001406686.1 and 2 more transcripts); c.2780+1089G>T (NM_001406677.1); c.2690+1089G>T (NM_001318829.2, NM_001406679.1); c.2870+1089G>T (NM_001318832.2); c.1493+1089G>T (NM_001406694.1, NM_001406695.1, NM_001406696.1 and 5 more transcripts); c.2825+1089G>T (NM_001406671.1, NM_001406673.1); c.2375+1089G>T (NM_001406681.1); c.2726+1089G>T (NM_001318827.2, NM_001406678.1); and 8 more; short protein forms A524S, A772S, A923S, A935S, A972S.
Identifiers: ClinVar variation 4756906 (VCV004756906.2).

ClinVar aggregate classification (germline): Uncertain significance. Review status: criteria provided, multiple submitters, no conflicts (2 of 4 stars). 2 submissions from 2 submitters: Uncertain significance (2). Last evaluated 2026-07-27.

Conditions:
Tuberous sclerosis syndrome (TSC). Also called: Tuberous Sclerosis Complex; Tuberous sclerosis. Identifiers: Orphanet 805, MedGen C0041341, MONDO:0001734.
Hereditary cancer-predisposing syndrome. Also called: Hereditary Cancer Syndrome; Hereditary neoplastic syndrome; Neoplastic Syndromes, Hereditary; Tumor predisposition. Identifiers: Orphanet 140162, MedGen C0027672, MeSH D009386, MONDO:0015356.

Submissions (2):

Ambry Genetics
Classification: Uncertain significance for Hereditary cancer-predisposing syndrome. Last evaluated: 2026-07-27. Review status: criteria provided, single submitter. Criteria: Ambry Variant Classification Scheme 2023. Collection method: clinical testing. Allele origin: germline.
Comment: The p.A972S variant (also known as c.2914G>T), located in coding exon 25 of the TSC2 gene, results from a G to T substitution at nucleotide position 2914. The alanine at codon 972 is replaced by serine, an amino acid with similar properties. This amino acid position is not well conserved in available vertebrate species. In addition, the in silico prediction for this alteration is inconclusive. Based on the available evidence, the clinical significance of this variant remains unclear.

Color Diagnostics, LLC DBA Color Health
Classification: Uncertain significance for Tuberous sclerosis syndrome. Last evaluated: 2025-06-23. Review status: criteria provided, single submitter. Criteria: ACMG Guidelines, 2015. Collection method: clinical testing. Allele origin: germline.
Comment: This missense variant replaces alanine with serine at codon 972 of the TSC2 protein. Computational prediction suggests that this variant may not impact protein structure and function. To our knowledge, functional studies have not been reported for this variant. This variant has not been reported in individuals affected with TSC2-related disorders in the literature. This variant has not been identified in the general population by the Genome Aggregation Database (gnomAD). The available evidence is insufficient to determine the role of this variant in disease conclusively. Therefore, this variant is classified as a Variant of Uncertain Significance.